The following is an entry in ClinVar:

ClinVar aggregate classification (germline): Uncertain significance (1 of 4 stars; one submission).

Allele frequency attached by ClinVar (database versions not stated): gnomAD exomes below 0.00001.
gnomAD v4.1: 1 of 1,614,158 alleles (0.000062%); highest among the groups gnomAD compares: Non-Finnish European, 0.000085%; no homozygotes.

Submission:

Labcorp Genetics (formerly Invitae), Labcorp
Classification: Uncertain significance. Last evaluated: 2022-03-09. Review status: criteria provided, single submitter. Criteria: Invitae Variant Classification Sherloc (09022015). Collection method: clinical testing. Allele origin: germline.
Comment: In summary, the available evidence is currently insufficient to determine the role of this variant in disease. Therefore, it has been classified as a Variant of Uncertain Significance. This sequence change falls in intron 25 of the ARHGEF1 gene. It does not directly change the encoded amino acid sequence of the ARHGEF1 protein. It affects a nucleotide within the consensus splice site. This variant is not present in population databases (gnomAD no frequency). This variant has not been reported in the literature in individuals affected with ARHGEF1-related conditions. Variants that disrupt the consensus splice site are a relatively common cause of aberrant splicing (PMID: 17576681, 9536098). Algorithms developed to predict the effect of sequence changes on RNA splicing suggest that this variant may disrupt the consensus splice site.

Literature cited by the submitters: PubMed 17576681; PubMed 9536098.

NM_004706.4(ARHGEF1):c.2404+3G>A

Gene: ARHGEF1 (Rho guanine nucleotide exchange factor 1; plus strand). Cytogenetic location: 19q13.2.
Variant type: single nucleotide variant.
Coding change: c.2404+3G>A on transcript NM_004706.4 (MANE Select); 3 bases into the intron after coding-DNA position 2404, G replaced by A.
Molecular consequence: intron variant.
Genome position (GRCh38, 1-based): chr19:41,905,830, G>A. VCF-style: chr19-41905830-G-A. GRCh37 (hg19) VCF-style: chr19-42409982-G-A.
Other names: c.2404+3G>A (NM_001396003.1, NM_001396006.1); c.2305+3G>A (NM_001396002.1, NM_198977.2, NM_001396004.1); c.2572+3G>A (NM_001396000.1); c.2449+3G>A (NM_199002.2).
Identifiers: ClinVar variation 2107844 (VCV002107844.4), dbSNP rs2513925496, ClinGen allele CA2580097332.